The following is an entry in ClinVar:

ClinVar aggregate classification (germline): Uncertain significance (1 of 4 stars; one submission).

Conditions:
RP1L1-related disorder. Also called: RP1L1-related condition.

Submission:

PreventionGenetics, part of Exact Sciences
Classification: Uncertain significance for RP1L1-related condition. Last evaluated: 2026-01-20. Review status: criteria provided, single submitter. Criteria: ACMG Guidelines, 2015. Collection method: clinical testing. Allele origin: germline.
Comment: The RP1L1 c.3860C>T variant is predicted to result in the amino acid substitution p.Ser1287Leu. To our knowledge, this variant has not been reported in the literature. This variant is reported in 0.010% of alleles in individuals of East Asian descent in gnomAD. At this time, the clinical significance of this variant is uncertain due to the absence of conclusive functional and genetic evidence.

NM_178857.6(RP1L1):c.3860C>T (p.Ser1287Leu)

Gene: RP1L1 (RP1 like 1). Cytogenetic location: 8p23.1.
Variant type: single nucleotide variant.
Coding change: c.3860C>T on transcript NM_178857.6 (MANE Select); coding-DNA position 3860, C replaced by T.
Protein change: p.Ser1287Leu; replaces serine 1287 with leucine.
Molecular consequence: missense variant.
Genome position (GRCh38, 1-based): chr8:10,610,238, G>A on the plus strand (C>T on the coding strand, the complement: RP1L1 is on the minus strand). VCF-style: chr8-10610238-G-A. GRCh37 (hg19) VCF-style: chr8-10467748-G-A.
Other names: short protein forms S1287L.
Identifiers: ClinVar variation 4980741 (VCV004980741.1).